The following is an entry in ClinVar:

ClinVar aggregate classification (germline): Uncertain significance (1 of 4 stars; one submission).

Allele frequency attached by ClinVar (database versions not stated): gnomAD exomes below 0.00001 and 0.00001; ExAC 0.00002; gnomAD 0.00003 and 0.00004; TOPMed 0.00004; ESP Exome Variant Server 0.00008.

Submission:

Labcorp Genetics (formerly Invitae), Labcorp
Classification: Uncertain significance. Last evaluated: 2021-11-04. Review status: criteria provided, single submitter. Criteria: Invitae Variant Classification Sherloc (09022015). Collection method: clinical testing. Allele origin: germline.
Comment: This sequence change replaces proline, which is neutral and non-polar, with leucine, which is neutral and non-polar, at codon 658 of the HPS1 protein (p.Pro658Leu). This variant is present in population databases (rs144000384, gnomAD 0.008%). This variant has not been reported in the literature in individuals affected with HPS1-related conditions. Algorithms developed to predict the effect of missense changes on protein structure and function (SIFT, PolyPhen-2, Align-GVGD) all suggest that this variant is likely to be tolerated. In summary, the available evidence is currently insufficient to determine the role of this variant in disease. Therefore, it has been classified as a Variant of Uncertain Significance.

NM_000195.5(HPS1):c.1973C>T (p.Pro658Leu)

Gene: HPS1 (HPS1 biogenesis of lysosomal organelles complex 3 subunit 1; minus strand). Cytogenetic location: 10q24.2.
Variant type: single nucleotide variant.
Coding change: c.1973C>T on transcript NM_000195.5 (MANE Select); coding-DNA position 1973, C replaced by T.
Protein change: p.Pro658Leu; replaces proline 658 with leucine.
Molecular consequence: missense variant.
Genome position (GRCh38, 1-based): chr10:98,417,694, G>A on the plus strand (C>T on the coding strand, the complement: HPS1 is on the minus strand). VCF-style: chr10-98417694-G-A. GRCh37 (hg19) VCF-style: chr10-100177451-G-A.
Other names: c.1973C>T, p.Pro658Leu (NM_001322477.2, NM_001322476.2); c.1874C>T, p.Pro625Leu (NM_001322478.2, NM_001322479.2); c.1712C>T, p.Pro571Leu (NM_001322480.2, NM_001322481.2); c.1613C>T, p.Pro538Leu (NM_001322482.2); c.1604C>T, p.Pro535Leu (NM_001322483.2, NM_001322484.2); c.1505C>T, p.Pro502Leu (NM_001322485.2); c.1001C>T, p.Pro334Leu (NM_001322487.2, NM_001322489.2, NM_001311345.2); short protein forms P334L, P538L, P571L, P658L, P535L, P625L, P502L.
Identifiers: ClinVar variation 1451096 (VCV001451096.3), dbSNP rs144000384, ClinGen allele CA5638809.
Genomic context (GRCh38, chr10:98,417,694, plus strand): 5'-TCAGTGGGGATGACAGACAGGTGCAGGGCCAGCAGCTCGTAGCACCTGACAGCCTCGGTT[G>A]GGCGGTTCTTGCTGTAGTAGCGCAGGAGCTTCCTGGGGAGGAAGGGGAGGATGGGATTCA-3'
Protein context (NP_000186.2, residues 648-668): KLLRYYSKNR[Pro658Leu]TEAVRCYELL